The following is an entry in ClinVar:

ClinVar aggregate classification (germline): Conflicting classifications of pathogenicity. Review status: criteria provided, conflicting classifications (1 of 4 stars). 3 submissions from 3 submitters: Likely pathogenic (1); Uncertain significance (2). Last evaluated 2025-12-30.

Conditions:
Pigmentary skin disorders.
Neurofibromatosis, type 1 (NF1). Also called: Peripheral type neurofibromatosis; VON RECKLINGHAUSEN DISEASE; Neurofibromatosis, type I; NEUROFIBROMATOSIS, TYPE I, SOMATIC. Identifiers: Orphanet 636, MedGen C0027831, MONDO:0018975, OMIM 162200. Disease mechanism: loss of function.

Submissions (3):

Labcorp Genetics (formerly Invitae), Labcorp
Classification: Likely pathogenic for Neurofibromatosis, type 1. Last evaluated: 2025-12-30. Review status: criteria provided, single submitter. Criteria: Invitae Variant Classification Sherloc (09022015). Collection method: clinical testing. Allele origin: germline.
Comment: This sequence change replaces valine, which is neutral and non-polar, with aspartic acid, which is acidic and polar, at codon 533 of the NF1 protein (p.Val533Asp). This variant is not present in population databases (gnomAD no frequency). This missense change has been observed in individual(s) with neurofibromatosis (internal data). ClinVar contains an entry for this variant (Variation ID: 2693936). Invitae Evidence Modeling of protein sequence and biophysical properties (such as structural, functional, and spatial information, amino acid conservation, physicochemical variation, residue mobility, and thermodynamic stability) indicates that this missense variant is expected to disrupt NF1 protein function with a positive predictive value of 95%. In summary, the currently available evidence indicates that the variant is pathogenic, but additional data are needed to prove that conclusively. Therefore, this variant has been classified as Likely Pathogenic.

Genetics Laboratory, Great Ormond Street Hospital NHS Foundation Trust, North Thames Genomic Laboratory Hub
Classification: Uncertain significance for Pigmentary skin disorders. Last evaluated: 2025-09-29. Review status: criteria provided, single submitter. Criteria: ACGS Best Practice Guidelines for Variant Classification in Rare Disease 2024 v1.2. Collection method: clinical testing. Allele origin: germline. Affected: yes.
Comment: PS4_supporting, PM2_moderate, PP2_supporting, PP4_supporting

3billion
Classification: Uncertain significance for Neurofibromatosis, type 1. Last evaluated: 2025-04-22. Review status: criteria provided, single submitter. Criteria: ACMG Guidelines, 2015. Collection method: clinical testing. Allele origin: germline. Affected: yes.

NM_001042492.3(NF1):c.1598T>A (p.Val533Asp)

Gene: NF1 (neurofibromin 1; plus strand). Cytogenetic location: 17q11.2.
Variant type: single nucleotide variant.
Coding change: c.1598T>A on transcript NM_001042492.3 (MANE Select); coding-DNA position 1598, T replaced by A.
Protein change: p.Val533Asp; replaces valine 533 with aspartic acid.
Molecular consequence: missense variant.
Genome position (GRCh38, 1-based): chr17:31,219,075, T>A. VCF-style: chr17-31219075-T-A. GRCh37 (hg19) VCF-style: chr17-29546093-T-A.
Other names: c.1598T>A, p.Val533Asp (NM_000267.4, NM_001128147.3); short protein forms V533D.
Identifiers: ClinVar variation 2693936 (VCV002693936.5), dbSNP rs1555612857, ClinGen allele CA399001959.
Genomic context (GRCh38, chr17:31,219,075, plus strand): 5'-AACAGGGGCCCGAAACCCAAGGCAGTACAGCAGAATTAATTACAGGGCTCGTCCAACTGG[T>A]CCCTCAGTCACACATGCCAGAGATTGCTCAGGAAGCAATGGAGGTAAGGGGAAAATGAAT-3'
Protein context (NP_001035957.1, residues 523-543): AELITGLVQL[Val533Asp]PQSHMPEIAQ